The following is an entry in ClinVar:

ClinVar aggregate classification (germline): Conflicting classifications of pathogenicity. Review status: criteria provided, conflicting classifications (1 of 4 stars). 5 submissions from 5 submitters: Uncertain significance (1); Likely benign (4). Last evaluated 2026-01-11.

Conditions:
Gorlin syndrome. Also called: Nevoid Basal Cell Carcinoma Syndrome; Basal cell nevus syndrome. Identifiers: Orphanet 377, MedGen C0004779, MONDO:0007187.
Hereditary cancer-predisposing syndrome. Also called: Hereditary neoplastic syndrome; Hereditary Cancer Syndrome; Neoplastic Syndromes, Hereditary; Tumor predisposition. Identifiers: Orphanet 140162, MedGen C0027672, MeSH D009386, MONDO:0015356.
PTCH1-related disorder. Also called: PTCH1-related disorders; PTCH1-related condition.

Allele frequency attached by ClinVar (database versions not stated): gnomAD exomes 0.00002 and 0.00005; ExAC 0.00007; TOPMed 0.00012; ESP Exome Variant Server 0.00015; gnomAD 0.00015 and 0.00016.
gnomAD v4.1: 36 of 1,614,092 alleles (0.0022%); highest among the groups gnomAD compares: African/African-American, 0.044%; no homozygotes.

Submissions (5):

Labcorp Genetics (formerly Invitae), Labcorp
Classification: Likely benign for Gorlin syndrome. Last evaluated: 2026-01-11. Review status: criteria provided, single submitter. Criteria: Invitae Variant Classification Sherloc (09022015). Collection method: clinical testing. Allele origin: germline.

Quest Diagnostics Nichols Institute San Juan Capistrano
Classification: Likely benign. Last evaluated: 2025-02-15. Review status: criteria provided, single submitter. Criteria: Quest Diagnostics criteria. Collection method: clinical testing. Allele origin: unknown.

PreventionGenetics, part of Exact Sciences
Classification: Likely benign for PTCH1-related condition. Last evaluated: 2024-10-17. Review status: criteria provided, single submitter. Criteria: ACMG Guidelines, 2015. Collection method: clinical testing. Allele origin: germline.
Comment: This variant is classified as likely benign based on ACMG/AMP sequence variant interpretation guidelines (Richards et al. 2015 PMID: 25741868, with internal and published modifications).

St. Jude Molecular Pathology, St. Jude Children's Research Hospital
Classification: Uncertain significance for Basal cell nevus syndrome 1. Last evaluated: 2022-07-07. Review status: criteria provided, single submitter. Criteria: St. Jude Assertion Criteria 2020. Collection method: clinical testing. Allele origin: germline.
Comment: The PTCH1 c.499G>A (p.Ala167Thr) missense change has a maximum subpopulation frequency of 0.072% in gnomAD v2.1.1. The in silico tool REVEL is inconclusive about a pathogenic or benign effect of this variant on protein function, and to our knowledge functional studies have not been performed. To our knowledge, this variant has not been reported in individuals with nevoid basal cell carcinoma syndrome. In summary, the evidence currently available is insufficient to determine the clinical significance of this variant. It has therefore been classified as of uncertain significance.

Ambry Genetics
Classification: Likely benign for Hereditary cancer-predisposing syndrome. Last evaluated: 2021-12-15. Review status: criteria provided, single submitter. Criteria: Ambry Variant Classification Scheme 2023. Collection method: clinical testing. Allele origin: germline.

NM_000264.5(PTCH1):c.499G>A (p.Ala167Thr)

Gene: PTCH1 (patched 1; minus strand). Cytogenetic location: 9q22.32.
Variant type: single nucleotide variant.
Coding change: c.499G>A on transcript NM_000264.5 (MANE Select); coding-DNA position 499, G replaced by A.
Protein change: p.Ala167Thr; replaces alanine 167 with threonine.
Molecular consequence: missense variant. On other transcripts: non-coding transcript variant (1).
Genome position (GRCh38, 1-based): chr9:95,485,770, C>T on the plus strand (G>A on the coding strand, the complement: PTCH1 is on the minus strand). VCF-style: chr9-95485770-C-T. GRCh37 (hg19) VCF-style: chr9-98248052-C-T.
Other names: c.499G>A (NM_000264.4); c.301G>A, p.Ala101Thr (NM_001083602.3, NM_001354919.2); c.496G>A, p.Ala166Thr (NM_001083603.3); c.46G>A, p.Ala16Thr (NM_001083604.3, NM_001083605.3, NM_001083606.3 and 1 more transcripts); c.499G>A, p.Ala167Thr (NM_001354918.2); short protein forms A101T, A167T, A166T, A16T.
Identifiers: ClinVar variation 524505 (VCV000524505.19), dbSNP rs149547604, ClinGen allele CA5138932.